The following is an entry in ClinVar:

ClinVar aggregate classification (germline): Uncertain significance (1 of 4 stars; one submission).

Conditions:
RYR1-related disorder. Also called: RYR1-related condition; RYR1-related disorders. Identifiers: MedGen CN239331.

Allele frequency attached by ClinVar (database versions not stated): gnomAD exomes 0.00002.
gnomAD v4.1: 8 of 1,485,692 alleles (0.00054%); highest among the groups gnomAD compares: East Asian, 0.023%; no homozygotes.

Submission:

Labcorp Genetics (formerly Invitae), Labcorp
Classification: Uncertain significance for RYR1-related disorder. Last evaluated: 2023-12-07. Review status: criteria provided, single submitter. Criteria: Invitae Variant Classification Sherloc (09022015). Collection method: clinical testing. Allele origin: germline.
Comment: This sequence change replaces phenylalanine, which is neutral and non-polar, with valine, which is neutral and non-polar, at codon 4363 of the RYR1 protein (p.Phe4363Val). This variant is present in population databases (no rsID available, gnomAD 0.05%). This variant has not been reported in the literature in individuals affected with RYR1-related conditions. Advanced modeling of protein sequence and biophysical properties (such as structural, functional, and spatial information, amino acid conservation, physicochemical variation, residue mobility, and thermodynamic stability) performed at Invitae indicates that this missense variant is not expected to disrupt RYR1 protein function with a negative predictive value of 95%. In summary, the available evidence is currently insufficient to determine the role of this variant in disease. Therefore, it has been classified as a Variant of Uncertain Significance.

NM_000540.3(RYR1):c.13087T>G (p.Phe4363Val)

Gene: RYR1 (ryanodine receptor 1; plus strand). Cytogenetic location: 19q13.2.
Variant type: single nucleotide variant.
Coding change: c.13087T>G on transcript NM_000540.3 (MANE Select); coding-DNA position 13087, T replaced by G.
Protein change: p.Phe4363Val; replaces phenylalanine 4363 with valine.
Molecular consequence: missense variant.
Genome position (GRCh38, 1-based): chr19:38,565,421, T>G. VCF-style: chr19-38565421-T-G. GRCh37 (hg19) VCF-style: chr19-39056061-T-G.
Other names: c.13072T>G, p.Phe4358Val (NM_001042723.2); short protein forms F4363V, F4358V.
Identifiers: ClinVar variation 2882778 (VCV002882778.1), dbSNP rs1445849233, ClinGen allele CA405673405.